The following is an entry in ClinVar:

NM_000187.4(HGD):c.94C>T (p.Pro32Ser)

Gene: HGD (homogentisate 1,2-dioxygenase; minus strand). Cytogenetic location: 3q13.33.
Variant type: single nucleotide variant.
Coding change: c.94C>T on transcript NM_000187.4 (MANE Select); coding-DNA position 94, C replaced by T.
Protein change: p.Pro32Ser; replaces proline 32 with serine.
Molecular consequence: missense variant.
Genome position (GRCh38, 1-based): chr3:120,674,983, G>A on the plus strand (C>T on the coding strand, the complement: HGD is on the minus strand). VCF-style: chr3-120674983-G-A. GRCh37 (hg19) VCF-style: chr3-120393830-G-A.
Other names: short protein forms P32S.
Identifiers: ClinVar variation 493367 (VCV000493367.43), dbSNP rs1553721599, ClinGen allele CA354082268.

ClinVar aggregate classification (germline): Likely pathogenic (1 of 4 stars; one submission).

gnomAD v4.1: 3 of 1,608,448 alleles (0.00019%); highest among the groups gnomAD compares: Non-Finnish European, 0.00026%; no homozygotes.

Submission:

CeGaT Center for Human Genetics Tuebingen
Classification: Likely pathogenic. Last evaluated: 2023-11-01. Review status: criteria provided, single submitter. Criteria: CeGaT Center For Human Genetics Tuebingen Variant Classification Criteria Version 2. Collection method: clinical testing. Allele origin: germline. Affected: yes. Observed: 3 variant alleles.
Comment: HGD: PM2, PP4:Moderate, PM3:Supporting, PP3